The following is an entry in ClinVar:

NM_181426.2(CCDC39):c.1708C>G (p.Arg570Gly)

Gene: CCDC39 (coiled-coil domain 39 molecular ruler complex subunit; minus strand). Cytogenetic location: 3q26.33.
Variant type: single nucleotide variant.
Coding change: c.1708C>G on transcript NM_181426.2 (MANE Select); coding-DNA position 1708, C replaced by G.
Protein change: p.Arg570Gly; replaces arginine 570 with glycine.
Molecular consequence: missense variant.
Genome position (GRCh38, 1-based): chr3:180,642,159, G>C on the plus strand (C>G on the coding strand, the complement: CCDC39 is on the minus strand). VCF-style: chr3-180642159-G-C. GRCh37 (hg19) VCF-style: chr3-180359947-G-C.
Other names: short protein forms R570G.
Identifiers: ClinVar variation 2177798 (VCV002177798.1), dbSNP rs763756005, ClinGen allele CA2715889.

ClinVar aggregate classification (germline): Uncertain significance (1 of 4 stars; one submission).

Conditions:
Primary ciliary dyskinesia. Also called: Ciliary dyskinesia. Identifiers: Orphanet 244, MedGen C0008780, MONDO:0016575, HP:0012265.

Allele frequency attached by ClinVar (database versions not stated): TOPMed 0.00001; ExAC 0.00002.
gnomAD v4.1: 8 of 1,608,466 alleles (0.0005%); highest among the groups gnomAD compares: Admixed American, 0.013%; no homozygotes.

Submission:

Labcorp Genetics (formerly Invitae), Labcorp
Classification: Uncertain significance for Primary ciliary dyskinesia. Last evaluated: 2022-05-03. Review status: criteria provided, single submitter. Criteria: Invitae Variant Classification Sherloc (09022015). Collection method: clinical testing. Allele origin: germline.
Comment: This sequence change replaces arginine, which is basic and polar, with glycine, which is neutral and non-polar, at codon 570 of the CCDC39 protein (p.Arg570Gly). This variant is present in population databases (rs763756005, gnomAD 0.02%). This variant has not been reported in the literature in individuals affected with CCDC39-related conditions. Algorithms developed to predict the effect of missense changes on protein structure and function are either unavailable or do not agree on the potential impact of this missense change (SIFT: "Tolerated"; PolyPhen-2: "Probably Damaging"; Align-GVGD: "Class C0"). In summary, the available evidence is currently insufficient to determine the role of this variant in disease. Therefore, it has been classified as a Variant of Uncertain Significance.